The following is an entry in ClinVar:

NM_001365536.1(SCN9A):c.742G>T (p.Val248Phe)

Gene: SCN9A (sodium voltage-gated channel alpha subunit 9; minus strand). Cytogenetic location: 2q24.3.
Variant type: single nucleotide variant.
Coding change: c.742G>T on transcript NM_001365536.1 (MANE Select); coding-DNA position 742, G replaced by T.
Protein change: p.Val248Phe; replaces valine 248 with phenylalanine.
Molecular consequence: missense variant.
Genome position (GRCh38, 1-based): chr2:166,303,249, C>A on the plus strand (G>T on the coding strand, the complement: SCN9A is on the minus strand). VCF-style: chr2-166303249-C-A. GRCh37 (hg19) VCF-style: chr2-167159759-C-A.
Other names: c.742G>T, p.Val248Phe (NM_002977.4); short protein forms V248F.
Identifiers: ClinVar variation 2947922 (VCV002947922.3), dbSNP rs2468118305, ClinGen allele CA349093026.

ClinVar aggregate classification (germline): Uncertain significance (1 of 4 stars; one submission).

Conditions:
Neuropathy, hereditary sensory and autonomic, type 2A (HSAN2A). Also called: ACROOSTEOLYSIS, GIACCAI TYPE; ACROOSTEOLYSIS, NEUROGENIC; MORVAN DISEASE; NEUROPATHY, CONGENITAL SENSORY; NEUROPATHY, HEREDITARY SENSORY RADICULAR, AUTOSOMAL RECESSIVE; NEUROPATHY, HEREDITARY SENSORY, TYPE IIA. Identifiers: Orphanet 970, MedGen C2752089, MONDO:0024309, OMIM 201300.
Generalized epilepsy with febrile seizures plus, type 7 (GEFSP7). Also called: GEFS+, TYPE 7. Identifiers: Orphanet 36387, MedGen C2751778, MONDO:0013470, OMIM 613863.

Submission:

Labcorp Genetics (formerly Invitae), Labcorp
Classification: Uncertain significance for Neuropathy, hereditary sensory and autonomic, type 2A; Generalized epilepsy with febrile seizures plus, type 7. Last evaluated: 2023-05-19. Review status: criteria provided, single submitter. Criteria: Invitae Variant Classification Sherloc (09022015). Collection method: clinical testing. Allele origin: germline.
Comment: This sequence change replaces valine, which is neutral and non-polar, with phenylalanine, which is neutral and non-polar, at codon 248 of the SCN9A protein (p.Val248Phe). This variant is not present in population databases (gnomAD no frequency). This variant has not been reported in the literature in individuals affected with SCN9A-related conditions. Advanced modeling of protein sequence and biophysical properties (such as structural, functional, and spatial information, amino acid conservation, physicochemical variation, residue mobility, and thermodynamic stability) has been performed at Invitae for this missense variant, however the output from this modeling did not meet the statistical confidence thresholds required to predict the impact of this variant on SCN9A protein function. In summary, the available evidence is currently insufficient to determine the role of this variant in disease. Therefore, it has been classified as a Variant of Uncertain Significance.